The following is an entry in ClinVar:

NM_006623.4(PHGDH):c.1559C>T (p.Ala520Val)

Gene: PHGDH (phosphoglycerate dehydrogenase; plus strand). Cytogenetic location: 1p12.
Variant type: single nucleotide variant.
Coding change: c.1559C>T on transcript NM_006623.4 (MANE Select); coding-DNA position 1559, C replaced by T.
Protein change: p.Ala520Val; replaces alanine 520 with valine.
Molecular consequence: missense variant.
Genome position (GRCh38, 1-based): chr1:119,743,997, C>T. VCF-style: chr1-119743997-C-T. GRCh37 (hg19) VCF-style: chr1-120286620-C-T.
Other names: short protein forms A520V.
Identifiers: ClinVar variation 2176900 (VCV002176900.3), dbSNP rs151275800, ClinGen allele CA1037486.

ClinVar aggregate classification (germline): Uncertain significance (1 of 4 stars; one submission).

Conditions:
PHGDH deficiency. Identifiers: Orphanet 79351, MedGen C1866174, MONDO:0011152, OMIM 601815.

gnomAD v4.1: 9 of 1,614,096 alleles (0.00056%); highest among the groups gnomAD compares: East Asian, 0.0022%; no homozygotes.

Submission:

Labcorp Genetics (formerly Invitae), Labcorp
Classification: Uncertain significance for PHGDH deficiency. Last evaluated: 2025-01-27. Review status: criteria provided, single submitter. Criteria: Invitae Variant Classification Sherloc (09022015). Collection method: clinical testing. Allele origin: germline.
Comment: This sequence change replaces alanine, which is neutral and non-polar, with valine, which is neutral and non-polar, at codon 520 of the PHGDH protein (p.Ala520Val). This variant is present in population databases (rs151275800, gnomAD 0.01%). This variant has not been reported in the literature in individuals affected with PHGDH-related conditions. ClinVar contains an entry for this variant (Variation ID: 2176900). An algorithm developed to predict the effect of missense changes on protein structure and function outputs the following: PolyPhen-2: "Benign". The valine amino acid residue is found in multiple mammalian species, which suggests that this missense change does not adversely affect protein function. In summary, the available evidence is currently insufficient to determine the role of this variant in disease. Therefore, it has been classified as a Variant of Uncertain Significance.